The following is an entry in ClinVar:

ClinVar aggregate classification (germline): Benign (1 of 4 stars; one submission).

Allele frequency attached by ClinVar (database versions not stated): gnomAD exomes 0.56978; ExAC 0.58993; gnomAD 0.64223; TOPMed 0.65325; ESP Exome Variant Server 0.65531; 1000 Genomes Project 0.66733; 1000 Genomes Project 30x 0.67770.
gnomAD v4.1: 913,436 of 1,582,816 alleles (58%); highest among the groups gnomAD compares: African/African-American, 87%; 269,117 homozygotes.

Submission:

Unidad de Genómica Garrahan, Hospital de Pediatría Garrahan
Classification: Benign. Last evaluated: 2023-11-12. Review status: criteria provided, single submitter. Criteria: ACMG Guidelines, 2015. Collection method: clinical testing. Allele origin: germline. Affected: no. Observed: 75 variant alleles.
Comment: This variant is classified as Benign based on local population frequency. This variant was detected in 78% of patients studied by a panel of primary immunodeficiencies. Number of patients: 75. Only high quality variants are reported.

NM_004371.4(COPA):c.228+35A>C

Gene: COPA (COPI coat complex subunit alpha; minus strand). Cytogenetic location: 1q23.2.
Variant type: single nucleotide variant.
Coding change: c.228+35A>C on transcript NM_004371.4 (MANE Select); 35 bases into the intron after coding-DNA position 228, A replaced by C.
Molecular consequence: intron variant.
Genome position (GRCh38, 1-based): chr1:160,339,874, T>G on the plus strand (A>C on the coding strand, the complement: COPA is on the minus strand). VCF-style: chr1-160339874-T-G. GRCh37 (hg19) VCF-style: chr1-160309664-T-G.
Other names: c.228+35A>C (NM_001098398.2).
Identifiers: ClinVar variation 2628113 (VCV002628113.2), dbSNP rs1886419, ClinGen allele CA1198434.